The following is an entry in ClinVar:

ClinVar aggregate classification (germline): Pathogenic (1 of 4 stars; one submission).

Conditions:
Early-infantile DEE. Also called: Early infantile epileptic encephalopathy with suppression bursts; Early infantile epileptic encephalopathy; Ohtahara syndrome. Identifiers: Orphanet 1934, MedGen C0393706, MONDO:0800491.

Submission:

Labcorp Genetics (formerly Invitae), Labcorp
Classification: Pathogenic for Early-infantile DEE. Last evaluated: 2022-09-01. Review status: criteria provided, single submitter. Criteria: Invitae Variant Classification Sherloc (09022015). Collection method: clinical testing. Allele origin: germline.
Comment: Advanced modeling of protein sequence and biophysical properties (such as structural, functional, and spatial information, amino acid conservation, physicochemical variation, residue mobility, and thermodynamic stability) performed at Invitae indicates that this missense variant is expected to disrupt SCN1A protein function. This variant disrupts the p.Cys1756 amino acid residue in SCN1A. Other variant(s) that disrupt this residue have been observed in individuals with SCN1A-related conditions (PMID: 19563458), which suggests that this may be a clinically significant amino acid residue. For these reasons, this variant has been classified as Pathogenic. This sequence change replaces cysteine, which is neutral and slightly polar, with tyrosine, which is neutral and polar, at codon 1756 of the SCN1A protein (p.Cys1756Tyr). This variant is not present in population databases (gnomAD no frequency). This missense change has been observed in individual(s) with clinical features of SCN1A-related conditions (Invitae). ClinVar contains an entry for this variant (Variation ID: 578647).

Literature cited by the submitters: PubMed 19563458.

NM_001165963.4(SCN1A):c.5267G>A (p.Cys1756Tyr)

Genes: SCN1A (sodium voltage-gated channel alpha subunit 1; minus strand), LOC102724058 (uncharacterized LOC102724058; plus strand). Cytogenetic location: 2q24.3.
Variant type: single nucleotide variant.
Coding change: c.5267G>A on transcript NM_001165963.4 (MANE Select); coding-DNA position 5267, G replaced by A.
Protein change: p.Cys1756Tyr; replaces cysteine 1756 with tyrosine.
Molecular consequence: missense variant. On other transcripts: non-coding transcript variant (1).
Genome position (GRCh38, 1-based): chr2:165,992,008, C>T on the plus strand (G>A on the coding strand, the complement: SCN1A is on the minus strand). VCF-style: chr2-165992008-C-T. GRCh37 (hg19) VCF-style: chr2-166848518-C-T.
Other names: c.5183G>A, p.Cys1728Tyr (NM_001165964.3, NM_001353957.2, NM_001353958.2); c.5267G>A, p.Cys1756Tyr (NM_001202435.3, NM_001353948.2); c.5234G>A, p.Cys1745Tyr (NM_001353949.2, NM_001353950.2, NM_001353951.2 and 2 more transcripts); c.5231G>A, p.Cys1744Tyr (NM_001353954.2, NM_001353955.2); c.5180G>A, p.Cys1727Tyr (NM_001353960.2); c.2825G>A, p.Cys942Tyr (NM_001353961.2); short protein forms C1745Y, C1756Y, C1728Y, C942Y, C1727Y, C1744Y.
Identifiers: ClinVar variation 578647 (VCV000578647.9), dbSNP rs1559103294, ClinGen allele CA349068324.